The following is an entry in ClinVar:

ClinVar aggregate classification (germline): Uncertain significance. Review status: criteria provided, multiple submitters, no conflicts (2 of 4 stars). 3 submissions from 3 submitters: Uncertain significance (3). Last evaluated 2026-06-23.

Conditions:
ABCG8-related disorder. Also called: ABCG8-related condition.

Allele frequency attached by ClinVar (database versions not stated): gnomAD exomes 0.00004; ExAC 0.00006; ESP Exome Variant Server 0.00008.
gnomAD v4.1: 102 of 1,613,976 alleles (0.0063%); highest among the groups gnomAD compares: Middle Eastern, 0.049%; no homozygotes.

Submissions (3):

PreventionGenetics, part of Exact Sciences
Classification: Uncertain significance for ABCG8-related condition. Last evaluated: 2026-06-23. Review status: criteria provided, single submitter. Criteria: ACMG Guidelines, 2015. Collection method: clinical testing. Allele origin: germline.
Comment: The ABCG8 c.709G>A variant is predicted to result in the amino acid substitution p.Asp237Asn. To our knowledge, this variant has not been reported in the literature. This variant is reported in 0.016% of alleles in individuals of African descent in gnomAD. At this time, the clinical significance of this variant is uncertain due to the absence of conclusive functional and genetic evidence.

Blueprint Genetics
Classification: Uncertain significance. Last evaluated: 2024-01-11. Review status: criteria provided, single submitter. Criteria: ACMG Guidelines, 2015. Collection method: clinical testing. Allele origin: germline.

Labcorp Genetics (formerly Invitae), Labcorp
Classification: Uncertain significance. Last evaluated: 2023-12-11. Review status: criteria provided, single submitter. Criteria: Invitae Variant Classification Sherloc (09022015). Collection method: clinical testing. Allele origin: germline.
Comment: This sequence change replaces aspartic acid, which is acidic and polar, with asparagine, which is neutral and polar, at codon 237 of the ABCG8 protein (p.Asp237Asn). This variant is present in population databases (rs201868259, gnomAD 0.02%). This variant has not been reported in the literature in individuals affected with ABCG8-related conditions. ClinVar contains an entry for this variant (Variation ID: 1432800). Advanced modeling of protein sequence and biophysical properties (such as structural, functional, and spatial information, amino acid conservation, physicochemical variation, residue mobility, and thermodynamic stability) performed at Invitae indicates that this missense variant is not expected to disrupt ABCG8 protein function with a negative predictive value of 80%. In summary, the available evidence is currently insufficient to determine the role of this variant in disease. Therefore, it has been classified as a Variant of Uncertain Significance.

NM_022437.3(ABCG8):c.709G>A (p.Asp237Asn)

Gene: ABCG8 (ATP binding cassette subfamily G member 8; plus strand). Cytogenetic location: 2p21.
Variant type: single nucleotide variant.
Coding change: c.709G>A on transcript NM_022437.3 (MANE Select); coding-DNA position 709, G replaced by A.
Protein change: p.Asp237Asn; replaces aspartic acid 237 with asparagine.
Molecular consequence: missense variant.
Genome position (GRCh38, 1-based): chr2:43,852,613, G>A. VCF-style: chr2-43852613-G-A. GRCh37 (hg19) VCF-style: chr2-44079752-G-A.
Other names: c.709G>A, p.Asp237Asn (NM_001357321.2); c.709G>A (NM_022437.2); short protein forms D237N.
Identifiers: ClinVar variation 1432800 (VCV001432800.8), dbSNP rs201868259, ClinGen allele CA1637153.